The following is an entry in ClinVar:

NM_003850.3(SUCLA2):c.348_355dup (p.Val119fs)

Gene: SUCLA2 (succinate-CoA ligase ADP-forming subunit beta; minus strand). Cytogenetic location: 13q14.2.
Variant type: Duplication.
Coding change: c.348_355dup on transcript NM_003850.3 (MANE Select); coding-DNA positions 348 to 355, 8 bases duplicated (AGGAGGAG; older notation c.348_355dupAGGAGGAG).
Protein change: p.Val119fs; shifts the reading frame from valine 119.
Molecular consequence: frameshift variant.
Genome position (GRCh38, 1-based): chr13:47,988,898-47,988,905, CTCCTCCT duplicated on the plus strand (AGGAGGAG on the coding strand, the reverse complement: SUCLA2 is on the minus strand). VCF-style (leftmost placement, unchanged base first): chr13-47988897-A-ACTCCTCCT. GRCh37 (hg19) VCF-style: chr13-48563032-A-ACTCCTCCT.
Other names: short protein forms V119fs.
Identifiers: ClinVar variation 1200382 (VCV001200382.6), dbSNP rs1425790333, ClinGen allele CA609573006.

ClinVar aggregate classification (germline): Pathogenic/Likely pathogenic. Review status: criteria provided, multiple submitters, no conflicts (2 of 4 stars). 2 submissions from 2 submitters: Pathogenic (1); Likely pathogenic (1). Last evaluated 2023-06-16.

Conditions:
Mitochondrial DNA depletion syndrome, encephalomyopathic form with methylmalonic aciduria (MTDPS5). Also called: MITOCHONDRIAL DNA DEPLETION SYNDROME, ENCEPHALOMYOPATHIC FORM, WITH OR WITHOUT METHYLMALONIC ACIDURIA, AUTOSOMAL RECESSIVE, SUCLA2-RELATED; Mitochondrial DNA depletion syndrome 5 (encephalomyopathic with or without methylmalonic aciduria); SUCLA2-Related Mitochondrial DNA Depletion Syndrome, Encephalomyopathic Form with Methylmalonic Aciduria; Mitochondrial encephalomyopathy aminoacidopathy. Identifiers: Orphanet 1933, MedGen C5980207, MONDO:0012791, OMIM 612073.

Allele frequency attached by ClinVar (database versions not stated): TOPMed below 0.00001; gnomAD 0.00001; gnomAD exomes 0.00001.

Submissions (2):

Labcorp Genetics (formerly Invitae), Labcorp
Classification: Pathogenic for Mitochondrial DNA depletion syndrome, encephalomyopathic form with methylmalonic aciduria. Last evaluated: 2023-06-16. Review status: criteria provided, single submitter. Criteria: Invitae Variant Classification Sherloc (09022015). Collection method: clinical testing. Allele origin: germline.
Comment: This sequence change creates a premature translational stop signal (p.Val119Glufs*4) in the SUCLA2 gene. It is expected to result in an absent or disrupted protein product. Loss-of-function variants in SUCLA2 are known to be pathogenic (PMID: 15877282, 17301081). This variant is present in population databases (no rsID available, gnomAD 0.006%). This variant has not been reported in the literature in individuals affected with SUCLA2-related conditions. ClinVar contains an entry for this variant (Variation ID: 1200382). For these reasons, this variant has been classified as Pathogenic.

GeneDx
Classification: Likely pathogenic. Last evaluated: 2021-05-21. Review status: criteria provided, single submitter. Criteria: GeneDx Variant Classification Process June 2021. Collection method: clinical testing. Allele origin: germline. Affected: yes.
Comment: Frameshift variant predicted to result in protein truncation or nonsense mediated decay in a gene for which loss-of-function is a known mechanism of disease; Not observed at a significant frequency in large population cohorts (Lek et al., 2016); Has not been previously published as pathogenic or benign to our knowledge

Literature cited by the submitters: PubMed 15877282 (cited by Labcorp Genetics (formerly Invitae), Labcorp); PubMed 17301081 (cited by Labcorp Genetics (formerly Invitae), Labcorp).